The following is an entry in ClinVar:

NM_145239.3(PRRT2):c.298del (p.Ser100fs)

Genes: MVP-DT (MVP divergent transcript; minus strand), PRRT2 (proline rich transmembrane protein 2; plus strand). Cytogenetic location: 16p11.2.
Variant type: Deletion.
Coding change: c.298del on transcript NM_145239.3 (MANE Select); coding-DNA position 298, one base deleted (A; older notation c.298delA).
Protein change: p.Ser100fs; shifts the reading frame from serine 100.
Molecular consequence: frameshift variant.
Genome position (GRCh38, 1-based): chr16:29,813,352, A deleted. VCF-style (leftmost placement, unchanged base first): chr16-29813351-CA-C. GRCh37 (hg19) VCF-style: chr16-29824672-CA-C.
Other names: c.298del, p.Ser100fs (NM_001256442.2, NM_001256443.2); short protein forms S100fs.
Identifiers: ClinVar variation 2153760 (VCV002153760.4), dbSNP rs2543332495, ClinGen allele CA2580091448.

ClinVar aggregate classification (germline): Pathogenic (1 of 4 stars; one submission).

Conditions:
Episodic kinesigenic dyskinesia (EKD). Also called: Paroxysmal kinesigenic dyskinesia. Identifiers: Orphanet 98809, MedGen C1868682, MONDO:0044202.

Submission:

Labcorp Genetics (formerly Invitae), Labcorp
Classification: Pathogenic for Episodic kinesigenic dyskinesia. Last evaluated: 2025-08-05. Review status: criteria provided, single submitter. Criteria: Invitae Variant Classification Sherloc (09022015). Collection method: clinical testing. Allele origin: germline.
Comment: This sequence change creates a premature translational stop signal (p.Ser100Alafs*15) in the PRRT2 gene. It is expected to result in an absent or disrupted protein product. Loss-of-function variants in PRRT2 are known to be pathogenic (PMID: 22623405, 22744660). This variant is not present in population databases (gnomAD no frequency). This variant has not been reported in the literature in individuals affected with PRRT2-related conditions. ClinVar contains an entry for this variant (Variation ID: 2153760). For these reasons, this variant has been classified as Pathogenic.

Literature cited by the submitters: PubMed 22623405; PubMed 22744660.